The following is an entry in ClinVar:

NM_004104.5(FASN):c.1384G>C (p.Ala462Pro)

Gene: FASN (fatty acid synthase; minus strand). Cytogenetic location: 17q25.3.
Variant type: single nucleotide variant.
Coding change: c.1384G>C on transcript NM_004104.5 (MANE Select); coding-DNA position 1384, G replaced by C.
Protein change: p.Ala462Pro; replaces alanine 462 with proline.
Molecular consequence: missense variant.
Genome position (GRCh38, 1-based): chr17:82,091,330, C>G on the plus strand (G>C on the coding strand, the complement: FASN is on the minus strand). VCF-style: chr17-82091330-C-G. GRCh37 (hg19) VCF-style: chr17-80049206-C-G.
Other names: short protein forms A462P.
Identifiers: ClinVar variation 1494252 (VCV001494252.8), dbSNP rs141275719, ClinGen allele CA401560558.

ClinVar aggregate classification (germline): Uncertain significance (1 of 4 stars; one submission).

Conditions:
Epileptic encephalopathy. Identifiers: MedGen C0543888, HP:0200134.

gnomAD v4.1: 9 of 1,609,460 alleles (0.00056%); highest among the groups gnomAD compares: African/African-American, 0.0013%; no homozygotes.

Submission:

Labcorp Genetics (formerly Invitae), Labcorp
Classification: Uncertain significance for Epileptic encephalopathy. Last evaluated: 2022-03-23. Review status: criteria provided, single submitter. Criteria: Invitae Variant Classification Sherloc (09022015). Collection method: clinical testing. Allele origin: germline.
Comment: In summary, the available evidence is currently insufficient to determine the role of this variant in disease. Therefore, it has been classified as a Variant of Uncertain Significance. Algorithms developed to predict the effect of missense changes on protein structure and function output the following: SIFT: "Tolerated"; PolyPhen-2: "Benign"; Align-GVGD: "Class C0". The proline amino acid residue is found in multiple mammalian species, which suggests that this missense change does not adversely affect protein function. This variant has not been reported in the literature in individuals affected with FASN-related conditions. This variant is not present in population databases (gnomAD no frequency). This sequence change replaces alanine, which is neutral and non-polar, with proline, which is neutral and non-polar, at codon 462 of the FASN protein (p.Ala462Pro).